The following is an entry in ClinVar:

ClinVar aggregate classification (germline): Uncertain significance (1 of 4 stars; one submission).

Conditions:
Telangiectasia, hereditary hemorrhagic, type 1 (HHT1). Also called: Osler Weber Rendu syndrome type 1; ENG-Related Hereditary Hemorrhagic Telangiectasia. Identifiers: Orphanet 774, MedGen C4551861, MONDO:0008535, OMIM 187300. Disease mechanism: loss of function.

gnomAD v4.1: 363 of 579,132 alleles (0.063%); highest among the groups gnomAD compares: Non-Finnish European, 0.091%; no homozygotes.

Submission:

Clinical Genomics Laboratory, Washington University in St. Louis
Classification: Uncertain significance for Telangiectasia, hereditary hemorrhagic, type 1. Last evaluated: 2025-10-24. Review status: criteria provided, single submitter. Criteria: ACMG Guidelines, 2015. Collection method: clinical testing. Allele origin: germline.
Comment: An ENG c.-205A>C variant was identified at a near heterozygous allelic fraction of 46.7%, a frequency which may be consistent with it being of germline origin. Furthermore, it did not segregate with disease in this family as the proband's affected father and sibling were found to not carry the variant (Damjanovich et al et al., PMID: 22192717). It is observed in 363/579,132 alleles in the general population (gnomAD v4.1.0). Due to limited information, and based on ACMG/AMP guidelines for variant interpretation (Richards S et al., PMID: 25741868), the clinical significance of this variant is uncertain at this time.

NM_001114753.3(ENG):c.-205A>C

Gene: ENG (endoglin; minus strand). Cytogenetic location: 9q34.11.
Variant type: single nucleotide variant.
Coding change: c.-205A>C on transcript NM_001114753.3 (MANE Select); 205 bases upstream of the start codon, A replaced by C.
Molecular consequence: 5 prime UTR variant.
Genome position (GRCh38, 1-based): chr9:127,854,560, T>G on the plus strand (A>C on the coding strand, the complement: ENG is on the minus strand). VCF-style: chr9-127854560-T-G. GRCh37 (hg19) VCF-style: chr9-130616839-T-G.
Other names: c.-205A>C (NM_000118.4, NM_001406715.1).
Identifiers: ClinVar variation 4974668 (VCV004974668.1).